The following is an entry in ClinVar:

ClinVar aggregate classification (germline): Uncertain significance. Review status: criteria provided, multiple submitters, no conflicts (2 of 4 stars). 2 submissions from 2 submitters: Uncertain significance (2). Last evaluated 2025-10-20.

Allele frequency attached by ClinVar (database versions not stated): TOPMed 0.00001.
gnomAD v4.1: 1 of 1,612,842 alleles (0.000062%); no homozygotes.

Submissions (2):

Labcorp Genetics (formerly Invitae), Labcorp
Classification: Uncertain significance. Last evaluated: 2025-10-20. Review status: criteria provided, single submitter. Criteria: Invitae Variant Classification Sherloc (09022015). Collection method: clinical testing. Allele origin: germline.
Comment: This sequence change replaces serine, which is neutral and polar, with threonine, which is neutral and polar, at codon 286 of the DHX38 protein (p.Ser286Thr). This variant is not present in population databases (gnomAD no frequency). This variant has not been reported in the literature in individuals affected with DHX38-related conditions. ClinVar contains an entry for this variant (Variation ID: 1497124). Invitae Evidence Modeling of protein sequence and biophysical properties (such as structural, functional, and spatial information, amino acid conservation, physicochemical variation, residue mobility, and thermodynamic stability) indicates that this missense variant is not expected to disrupt DHX38 protein function with a negative predictive value of 80%. In summary, the available evidence is currently insufficient to determine the role of this variant in disease. Therefore, it has been classified as a Variant of Uncertain Significance.

Ambry Genetics
Classification: Uncertain significance. Last evaluated: 2025-04-30. Review status: criteria provided, single submitter. Criteria: Ambry Variant Classification Scheme 2023. Collection method: clinical testing. Allele origin: germline.

NM_014003.4(DHX38):c.856T>A (p.Ser286Thr)

Gene: DHX38 (DEAH-box helicase 38; plus strand). Cytogenetic location: 16q22.2.
Variant type: single nucleotide variant.
Coding change: c.856T>A on transcript NM_014003.4 (MANE Select); coding-DNA position 856, T replaced by A.
Protein change: p.Ser286Thr; replaces serine 286 with threonine.
Molecular consequence: missense variant.
Genome position (GRCh38, 1-based): chr16:72,099,018, T>A. VCF-style: chr16-72099018-T-A. GRCh37 (hg19) VCF-style: chr16-72132917-T-A.
Other names: c.856T>A (NM_014003.3); short protein forms S286T.
Identifiers: ClinVar variation 1497124 (VCV001497124.9), dbSNP rs2042060326, ClinGen allele CA396703552.
Genomic context (GRCh38, chr16:72,099,018, plus strand): 5'-CCTCTGCCAACTCCCTCCTACAAATATAACGAGTGGGCCGATGACAGAAGACACTTGGGG[T>A]CCACCCCGCGTCTGTCCAGGGGCCGAGGTGAGGCCTGTGGGGCAGCAGGCAGAAGAGCAG-3'
Protein context (NP_054722.2, residues 276-296): EWADDRRHLG[Ser286Thr]TPRLSRGRGR